The following is an entry in ClinVar:

NM_006904.7(PRKDC):c.6080C>T (p.Ser2027Phe)

Gene: PRKDC (protein kinase, DNA-activated, catalytic subunit; minus strand). Cytogenetic location: 8q11.21.
Variant type: single nucleotide variant.
Coding change: c.6080C>T on transcript NM_006904.7 (MANE Select); coding-DNA position 6080, C replaced by T.
Protein change: p.Ser2027Phe; replaces serine 2027 with phenylalanine.
Molecular consequence: missense variant.
Genome position (GRCh38, 1-based): chr8:47,859,738, G>A on the plus strand (C>T on the coding strand, the complement: PRKDC is on the minus strand). VCF-style: chr8-47859738-G-A. GRCh37 (hg19) VCF-style: chr8-48772299-G-A.
Other names: c.6080C>T, p.Ser2027Phe (NM_001081640.2); short protein forms S2027F.
Identifiers: ClinVar variation 1751450 (VCV001751450.2), dbSNP rs2551870257, ClinGen allele CA371161391.

ClinVar aggregate classification (germline): Uncertain significance (1 of 4 stars; one submission).

Submission:

Ambry Genetics
Classification: Uncertain significance. Last evaluated: 2022-05-28. Review status: criteria provided, single submitter. Criteria: Ambry Variant Classification Scheme 2023. Collection method: clinical testing. Allele origin: germline.
Comment: The p.S2027F variant (also known as c.6080C>T), located in coding exon 46 of the PRKDC gene, results from a C to T substitution at nucleotide position 6080. The serine at codon 2027 is replaced by phenylalanine, an amino acid with highly dissimilar properties. This amino acid position is conserved. Since supporting evidence is limited at this time, the clinical significance of this alteration remains unclear.